The following is an entry in ClinVar:

ClinVar aggregate classification (germline): Likely benign. Review status: criteria provided, multiple submitters, no conflicts (2 of 4 stars). 2 submissions from 2 submitters: Likely benign (2). Last evaluated 2025-12-03.

Conditions:
RIN2-related disorder. Also called: RIN2-related condition.

Allele frequency attached by ClinVar (database versions not stated): TOPMed 0.00006; ExAC 0.00007; gnomAD exomes 0.00007.
gnomAD v4.1: 187 of 1,613,648 alleles (0.012%); highest among the groups gnomAD compares: Middle Eastern, 0.017%; no homozygotes.

Submissions (2):

Labcorp Genetics (formerly Invitae), Labcorp
Classification: Likely benign. Last evaluated: 2025-12-03. Review status: criteria provided, single submitter. Criteria: Invitae Variant Classification Sherloc (09022015). Collection method: clinical testing. Allele origin: germline.

PreventionGenetics, part of Exact Sciences
Classification: Likely benign for RIN2-related condition. Last evaluated: 2025-08-12. Review status: criteria provided, single submitter. Criteria: ACMG Guidelines, 2015. Collection method: clinical testing. Allele origin: germline.
Comment: This variant is classified as likely benign based on ACMG/AMP sequence variant interpretation guidelines (Richards et al. 2015 PMID: 25741868, with internal and published modifications).

NM_018993.4(RIN2):c.1653C>T (p.Thr551=)

Gene: RIN2 (Ras and Rab interactor 2; plus strand). Cytogenetic location: 20p11.23.
Variant type: single nucleotide variant.
Coding change: c.1653C>T on transcript NM_018993.4 (MANE Select); coding-DNA position 1653, C replaced by T.
Protein change: p.Thr551=; no amino-acid change (threonine 551 retained).
Molecular consequence: synonymous variant.
Genome position (GRCh38, 1-based): chr20:19,975,678, C>T. VCF-style: chr20-19975678-C-T. GRCh37 (hg19) VCF-style: chr20-19956322-C-T.
Other names: c.1800C>T, p.Thr600= (NM_001242581.2); c.1035C>T, p.Thr345= (NM_001378238.1); c.1800C>T (NM_001242581.1).
Identifiers: ClinVar variation 1632834 (VCV001632834.9), dbSNP rs535986877, ClinGen allele CA9780125.
Genomic context (GRCh38, chr20:19,975,678, plus strand): 5'-CTTAGTGCAGGACTACGTGAGCTTCCTGCAGGAGAACAAGGAGTGCCACGTGTCCAGCAC[C>T]GACATGCTGCAGACCATCCGGCAGTTCATGACCCAGGTCAAGAACTATTTGTCTCAGAGC-3'
Protein context (NP_061866.1, residues 541-561): QENKECHVSS[Thr551=]DMLQTIRQFM